The following is an entry in ClinVar:

NM_000194.3(HPRT1):c.73C>T (p.Pro25Ser)

Gene: HPRT1 (hypoxanthine phosphoribosyltransferase 1; plus strand). Cytogenetic location: Xq26.2.
Variant type: single nucleotide variant.
Coding change: c.73C>T on transcript NM_000194.3 (MANE Select); coding-DNA position 73, C replaced by T.
Protein change: p.Pro25Ser; replaces proline 25 with serine.
Molecular consequence: missense variant.
Genome position (GRCh38, 1-based): chrX:134,473,404, C>T. VCF-style: chrX-134473404-C-T. GRCh37 (hg19) VCF-style: chrX-133607434-C-T.
Other names: short protein forms P25S.
Identifiers: ClinVar variation 4858384 (VCV004858384.2).
Genomic context (GRCh38, chrX:134,473,404, plus strand): 5'-ATATTTCTTTTTCAGATTAGTGATGATGAACCAGGTTATGACCTTGATTTATTTTGCATA[C>T]CTAATCATTATGCTGAGGATTTGGAAAGGGTGTTTATTCCTCATGGACTAATTATGGACA-3'
Protein context (NP_000185.1, residues 15-35): PGYDLDLFCI[Pro25Ser]NHYAEDLERV

ClinVar aggregate classification (germline): Uncertain significance (1 of 4 stars; one submission).

Conditions:
Nephrolithiasis/nephrocalcinosis. Identifiers: MedGen CN580796.

Submission:

Ambry Genetics
Classification: Uncertain significance for Nephrolithiasis/nephrocalcinosis. Last evaluated: 2026-06-24. Review status: criteria provided, single submitter. Criteria: Ambry Variant Classification Scheme 2023. Collection method: clinical testing. Allele origin: germline.
Comment: The c.73C>T (p.P25S) alteration is located in exon 2 (coding exon 2) of the HPRT1 gene. This alteration results from a C to T substitution at nucleotide position 73, causing the proline (P) at amino acid position 25 to be replaced by a serine (S). This variant was not reported in population-based cohorts in the Genome Aggregation Database (gnomAD). Other variant(s) at the same codon, c.73C>A (p.P25T), c.74C>G (p.P25R), have been identified in individual(s) with features consistent with HPRT1-related disorders (Tohyama, 1994; de Gemmis, 2010; Yamada, 2011; Bertelli, 2004). This amino acid position is highly conserved in available vertebrate species. This alteration is predicted to be deleterious by in silico analysis. Based on insufficient or conflicting evidence, the clinical significance of this alteration remains unclear.

Literature cited by the submitters: PubMed 8112742; PubMed 15505382; PubMed 20638392; PubMed 22132982.